The following is an entry in ClinVar:

ClinVar aggregate classification (germline): Pathogenic (1 of 4 stars; one submission).

Conditions:
Fetal anomalies with a likely genetic cause.

Submission:

Genetics Laboratory, Great Ormond Street Hospital NHS Foundation Trust, North Thames Genomic Laboratory Hub
Classification: Pathogenic for Fetal anomalies with a likely genetic cause. Last evaluated: 2026-09-28. Review status: criteria provided, single submitter. Criteria: ACGS Best Practice Guidelines for Variant Classification in Rare Disease 2024 v1.2. Collection method: clinical testing. Allele origin: germline. Affected: yes.
Comment: PM2_moderate, PVS1_very-strong

NM_004608.4(TBX6):c.687C>A (p.Cys229Ter)

Gene: TBX6 (T-box transcription factor 6; minus strand).
Variant type: single nucleotide variant.
Coding change: c.687C>A on transcript NM_004608.4 (MANE Select); coding-DNA position 687, C replaced by A.
Protein change: p.Cys229Ter; replaces cysteine 229 with a stop codon.
Molecular consequence: nonsense.
Genome position (GRCh38, 1-based): chr16:30,088,774, G>T on the plus strand (C>A on the coding strand, the complement: TBX6 is on the minus strand). VCF-style: chr16-30088774-G-T. GRCh37 (hg19) VCF-style: chr16-30100095-G-T.
Other names: short protein forms C229*.
Identifiers: ClinVar variation 5043553 (VCV005043553.1).